The following is an entry in ClinVar:

NM_001367624.2(ZNF469):c.9169G>A (p.Asp3057Asn)

Gene: ZNF469 (zinc finger protein 469; plus strand). Cytogenetic location: 16q24.2.
Variant type: single nucleotide variant.
Coding change: c.9169G>A on transcript NM_001367624.2 (MANE Select); coding-DNA position 9169, G replaced by A.
Protein change: p.Asp3057Asn; replaces aspartic acid 3057 with asparagine.
Molecular consequence: missense variant.
Genome position (GRCh38, 1-based): chr16:88,436,639, G>A. VCF-style: chr16-88436639-G-A. GRCh37 (hg19) VCF-style: chr16-88503047-G-A.
Other names: NM_001127464.1:c.9085G>A; short protein forms D3057N.
Identifiers: ClinVar variation 2626122 (VCV002626122.2), dbSNP rs1049942617, ClinGen allele CA286385100.

ClinVar aggregate classification (germline): Uncertain significance (1 of 4 stars; one submission).

Conditions:
Cardiovascular phenotype. Identifiers: MedGen CN230736.

Allele frequency attached by ClinVar (database versions not stated): gnomAD exomes below 0.00001; TOPMed 0.00002.
gnomAD v4.1: 3 of 1,550,424 alleles (0.00019%); highest among the groups gnomAD compares: Non-Finnish European, 0.00026%; no homozygotes.

Submission:

Ambry Genetics
Classification: Uncertain significance for Cardiovascular phenotype. Last evaluated: 2023-07-16. Review status: criteria provided, single submitter. Criteria: Ambry Variant Classification Scheme 2023. Collection method: clinical testing. Allele origin: germline.
Comment: The p.D3029N variant (also known as c.9085G>A), located in coding exon 2 of the ZNF469 gene, results from a G to A substitution at nucleotide position 9085. The aspartic acid at codon 3029 is replaced by asparagine, an amino acid with highly similar properties. This amino acid position is conserved. In addition, this alteration is predicted to be tolerated by in silico analysis. Since supporting evidence is limited at this time, the clinical significance of this alteration remains unclear.